The following is an entry in ClinVar:

ClinVar aggregate classification (germline): Likely benign. Review status: criteria provided, single submitter (1 of 4 stars). 2 submissions from 2 submitters: Likely benign (1). 1 of the submissions does not count toward it. Last evaluated 2021-04-10.

Conditions:
COL4A4-related disorder.

Allele frequency attached by ClinVar (database versions not stated): gnomAD exomes below 0.00001; TOPMed 0.00001.
gnomAD v4.1: 1 of 1,613,762 alleles (0.000062%); highest among the groups gnomAD compares: South Asian, 0.0011%; no homozygotes.

Submissions (2):

Labcorp Genetics (formerly Invitae), Labcorp
Classification: Likely benign. Last evaluated: 2021-04-10. Review status: criteria provided, single submitter. Criteria: Invitae Variant Classification Sherloc (09022015). Collection method: clinical testing. Allele origin: germline.

PreventionGenetics, part of Exact Sciences
Classification: Likely benign for COL4A4-related condition. Last evaluated: 2021-09-13. Review status: no assertion criteria provided. Collection method: clinical testing. Allele origin: germline. Not counted in ClinVar's aggregate classification.
Comment: This variant is classified as likely benign based on ACMG/AMP sequence variant interpretation guidelines (Richards et al. 2015 PMID: 25741868, with internal and published modifications).

NM_000092.5(COL4A4):c.2175T>C (p.Gly725=)

Gene: COL4A4 (collagen type IV alpha 4 chain; minus strand). Cytogenetic location: 2q36.3.
Variant type: single nucleotide variant.
Coding change: c.2175T>C on transcript NM_000092.5 (MANE Select); coding-DNA position 2175, T replaced by C.
Protein change: p.Gly725=; no amino-acid change (glycine 725 retained).
Molecular consequence: synonymous variant.
Genome position (GRCh38, 1-based): chr2:227,059,613, A>G on the plus strand (T>C on the coding strand, the complement: COL4A4 is on the minus strand). VCF-style: chr2-227059613-A-G. GRCh37 (hg19) VCF-style: chr2-227924329-A-G.
Other names: c.2175T>C (NM_000092.4).
Identifiers: ClinVar variation 1647698 (VCV001647698.10), dbSNP rs1218628637, ClinGen allele CA431499757.